The following is an entry in ClinVar:

NM_005591.4(MRE11):c.1098+614C>T

Gene: MRE11 (MRE11 double strand break repair nuclease; minus strand). Cytogenetic location: 11q21.
Variant type: single nucleotide variant.
Coding change: c.1098+614C>T on transcript NM_005591.4 (MANE Select); 614 bases into the intron after coding-DNA position 1098, C replaced by T.
Molecular consequence: intron variant.
Genome position (GRCh38, 1-based): chr11:94,467,199, G>A on the plus strand (C>T on the coding strand, the complement: MRE11 is on the minus strand). VCF-style: chr11-94467199-G-A. GRCh37 (hg19) VCF-style: chr11-94200365-G-A.
Other names: c.1098+614C>T (NM_001330347.2, NM_005590.4).
Identifiers: ClinVar variation 60648 (VCV000060648.1), dbSNP rs140067184, ClinGen allele CA144586.

ClinVar aggregate classification (germline): other (0 of 4 stars; one submission).

Conditions:
Malignant tumor of urinary bladder. Also called: Urinary bladder cancer; Urinary Bladder Neoplasms; Bladder cancer. Identifiers: MedGen C0005684, MONDO:0001187, OMIM 109800.

Allele frequency attached by ClinVar (database versions not stated): 1000 Genomes Project 30x 0.00531; 1000 Genomes Project 0.00539; gnomAD 0.01498 and 0.01533; TOPMed 0.01528.

Submission:

Gray Institute for Radiation Oncology & Biology, University of Oxford
Classification: other. Review status: no assertion criteria provided. Collection method: not provided. Allele origin: germline.
Comment: Detected by next-generation sequencing & confirmed by Sanger sequencing